The following is an entry in ClinVar:

ClinVar aggregate classification (germline): Uncertain significance. Review status: criteria provided, multiple submitters, no conflicts (2 of 4 stars). 2 submissions from 2 submitters: Uncertain significance (2). Last evaluated 2024-02-03.

Submissions (2):

Labcorp Genetics (formerly Invitae), Labcorp
Classification: Uncertain significance. Last evaluated: 2024-02-03. Review status: criteria provided, single submitter. Criteria: Invitae Variant Classification Sherloc (09022015). Collection method: clinical testing. Allele origin: germline.
Comment: This sequence change replaces glycine, which is neutral and non-polar, with glutamic acid, which is acidic and polar, at codon 232 of the FH protein (p.Gly232Glu). This variant is not present in population databases (gnomAD no frequency). This variant has not been reported in the literature in individuals affected with FH-related conditions. ClinVar contains an entry for this variant (Variation ID: 167068). Advanced modeling of protein sequence and biophysical properties (such as structural, functional, and spatial information, amino acid conservation, physicochemical variation, residue mobility, and thermodynamic stability) performed at Invitae indicates that this missense variant is expected to disrupt FH protein function with a positive predictive value of 95%. In summary, the available evidence is currently insufficient to determine the role of this variant in disease. Therefore, it has been classified as a Variant of Uncertain Significance.

Eurofins Ntd Llc (ga)
Classification: Uncertain significance. Last evaluated: 2014-01-16. Review status: criteria provided, single submitter. Criteria: EGL Classification Definitions 2015. Collection method: clinical testing. Allele origin: germline. Observed: 1 variant allele, 1 heterozygote.

NC_000001.11:g.241508646C>T

Gene: FH (fumarate hydratase; minus strand). Cytogenetic location: 1q43.
Variant type: single nucleotide variant.
Genome position: GRCh38 VCF-style: chr1-241508646-C-T. GRCh37 (hg19) VCF-style: chr1-241671946-C-T.
Other names: c.695G>A, p.Gly232Glu (LRG_504t1).
Identifiers: ClinVar variation 167068 (VCV000167068.11), dbSNP rs727503929, ClinGen allele CA233992.